The following is an entry in ClinVar:

ClinVar aggregate classification (germline): Uncertain significance (1 of 4 stars; one submission).

Conditions:
Autosomal dominant Parkinson disease 8. Also called: LRRK2-Related Parkinson Disease; Parkinson disease 8; Parkinson disease 8, susceptibility to. Identifiers: Orphanet 411602, MedGen C1846862, MONDO:0011764, OMIM 607060.

Submission:

Labcorp Genetics (formerly Invitae), Labcorp
Classification: Uncertain significance for Autosomal dominant Parkinson disease 8. Last evaluated: 2022-06-13. Review status: criteria provided, single submitter. Criteria: Invitae Variant Classification Sherloc (09022015). Collection method: clinical testing. Allele origin: germline.
Comment: In summary, the available evidence is currently insufficient to determine the role of this variant in disease. Therefore, it has been classified as a Variant of Uncertain Significance. This sequence change replaces methionine, which is neutral and non-polar, with arginine, which is basic and polar, at codon 1989 of the LRRK2 protein (p.Met1989Arg). This variant is not present in population databases (gnomAD no frequency). This variant has not been reported in the literature in individuals affected with LRRK2-related conditions. Algorithms developed to predict the effect of missense changes on protein structure and function are either unavailable or do not agree on the potential impact of this missense change (SIFT: "Tolerated"; PolyPhen-2: "Possibly Damaging"; Align-GVGD: "Class C0").

NM_198578.4(LRRK2):c.5966T>G (p.Met1989Arg)

Gene: LRRK2 (leucine rich repeat kinase 2; plus strand). Cytogenetic location: 12q12.
Variant type: single nucleotide variant.
Coding change: c.5966T>G on transcript NM_198578.4 (MANE Select); coding-DNA position 5966, T replaced by G.
Protein change: p.Met1989Arg; replaces methionine 1989 with arginine.
Molecular consequence: missense variant.
Genome position (GRCh38, 1-based): chr12:40,340,311, T>G. VCF-style: chr12-40340311-T-G. GRCh37 (hg19) VCF-style: chr12-40734113-T-G.
Other names: short protein forms M1989R.
Identifiers: ClinVar variation 2005616 (VCV002005616.4), dbSNP rs2499947746, ClinGen allele CA384403536.